The following is an entry in ClinVar:

ClinVar aggregate classification (germline): Likely benign. Review status: criteria provided, multiple submitters, no conflicts (2 of 4 stars). 9 submissions from 9 submitters: Likely benign (9). Last evaluated 2026-01-05.

Conditions:
Hereditary spastic paraplegia 47. Also called: Spastic paraplegia 47, autosomal recessive; adaptor protein 4 (AP-4) deficiency syndrome; CEREBRAL PALSY, SPASTIC QUADRIPLEGIC, 5. Identifiers: Orphanet 280763, MedGen C3279738, MONDO:0013551, OMIM 614066.
Hereditary spastic paraplegia. Also called: Familial spastic paraparesis. Identifiers: Orphanet 685, MedGen C0037773, MONDO:0019064. Disease mechanism: loss of function.
Inborn genetic diseases. Identifiers: MedGen C0950123, MeSH D030342.

Allele frequency attached by ClinVar (database versions not stated): gnomAD 0.00051 and 0.00047; ExAC 0.00052; gnomAD exomes 0.00056 and 0.00043; TOPMed 0.00062; 1000 Genomes Project 30x 0.00016; 1000 Genomes Project 0.00020; ESP Exome Variant Server 0.00046.
gnomAD v4.1: 731 of 1,614,258 alleles (0.045%); highest among the groups gnomAD compares: Middle Eastern, 0.63%; 1 homozygote.

Submissions (9):

Labcorp Genetics (formerly Invitae), Labcorp
Classification: Likely benign for Hereditary spastic paraplegia 47. Last evaluated: 2026-01-05. Review status: criteria provided, single submitter. Criteria: Invitae Variant Classification Sherloc (09022015). Collection method: clinical testing. Allele origin: germline.

Blueprint Genetics
Classification: Likely benign. Last evaluated: 2024-11-18. Review status: criteria provided, single submitter. Criteria: ACMG Guidelines, 2015. Collection method: clinical testing. Allele origin: germline.

CeGaT Center for Human Genetics Tuebingen
Classification: Likely benign. Last evaluated: 2024-11-01. Review status: criteria provided, single submitter. Criteria: CeGaT Center For Human Genetics Tuebingen Variant Classification Criteria Version 2. Collection method: clinical testing. Allele origin: germline. Affected: yes. Observed: 8 variant alleles.
Comment: AP4B1: BP4, BP7

Mayo Clinic Laboratories, Mayo Clinic
Classification: Likely benign. Last evaluated: 2024-11-01. Review status: criteria provided, single submitter. Criteria: ACMG Guidelines, 2015. Collection method: clinical testing. Allele origin: germline. Observed: 3 variant alleles.
Comment: BS1, BP4, BP7

Genome-Nilou Lab
Classification: Likely benign for Hereditary spastic paraplegia 47. Last evaluated: 2023-04-11. Review status: criteria provided, single submitter. Criteria: ACMG Guidelines, 2015. Collection method: clinical testing. Allele origin: germline. Affected: no.

Genome Diagnostics Laboratory, The Hospital for Sick Children
Classification: Likely benign for Hereditary spastic paraplegia. Last evaluated: 2020-08-20. Review status: criteria provided, single submitter. Criteria: ACMG Guidelines, 2015. Collection method: clinical testing. Allele origin: germline. Affected: yes.

GeneDx
Classification: Likely benign. Last evaluated: 2018-12-23. Review status: criteria provided, single submitter. Criteria: GeneDx Variant Classification Process June 2021. Collection method: clinical testing. Allele origin: germline. Affected: yes.

Ambry Genetics
Classification: Likely benign for Inborn genetic diseases. Last evaluated: 2016-10-07. Review status: criteria provided, single submitter. Criteria: Ambry Variant Classification Scheme 2023. Collection method: clinical testing. Allele origin: germline.

Breakthrough Genomics
Classification: Likely benign. Review status: criteria provided, single submitter. Criteria: ACMG Guidelines, 2015. Collection method: not provided. Allele origin: germline. Inheritance: Autosomal recessive inheritance. Affected: yes.

NM_001253852.3(AP4B1):c.1725C>T (p.Ile575=)

Genes: AP4B1-AS1 (AP4B1 antisense RNA 1; plus strand), AP4B1 (adaptor related protein complex 4 subunit beta 1; minus strand). Cytogenetic location: 1p13.2.
Variant type: single nucleotide variant.
Coding change: c.1725C>T on transcript NM_001253852.3 (MANE Select); coding-DNA position 1725, C replaced by T.
Protein change: p.Ile575=; no amino-acid change (isoleucine 575 retained).
Molecular consequence: synonymous variant.
Genome position (GRCh38, 1-based): chr1:113,895,824, G>A on the plus strand (C>T on the coding strand, the complement: AP4B1 is on the minus strand). VCF-style: chr1-113895824-G-A. GRCh37 (hg19) VCF-style: chr1-114438446-G-A.
Other names: p.Ile575=; c.1428C>T, p.Ile476= (NM_001253853.3); c.1221C>T, p.Ile407= (NM_001308312.2); c.1725C>T, p.Ile575= (NM_006594.5).
Identifiers: ClinVar variation 588263 (VCV000588263.46), dbSNP rs34778731, ClinGen allele CA1015730.